The following is an entry in ClinVar:

NM_024675.4(PALB2):c.721A>G (p.Asn241Asp)

Gene: PALB2 (partner and localizer of BRCA2; minus strand). Cytogenetic location: 16p12.2.
Variant type: single nucleotide variant.
Coding change: c.721A>G on transcript NM_024675.4 (MANE Select); coding-DNA position 721, A replaced by G.
Protein change: p.Asn241Asp; replaces asparagine 241 with aspartic acid.
Molecular consequence: missense variant.
Genome position (GRCh38, 1-based): chr16:23,635,825, T>C on the plus strand (A>G on the coding strand, the complement: PALB2 is on the minus strand). VCF-style: chr16-23635825-T-C. GRCh37 (hg19) VCF-style: chr16-23647146-T-C.
Other names: p.N241D:AAT>GAT; NP_078951.2:p.Asn241Asp; NM_024675.3(PALB2):c.721A>G; short protein forms N241D.
Identifiers: ClinVar variation 126765 (VCV000126765.43), dbSNP rs113217267, ClinGen allele CA151529.

ClinVar aggregate classification (germline): Benign. Review status: reviewed by expert panel (3 of 4 stars). 22 submissions from 22 submitters: Benign (1). 21 of the submissions do not count toward it. Last evaluated 2023-04-05.

Conditions:
PALB2-related cancer predisposition. Identifiers: MedGen CN377761, MONDO:0700272.
Breast and/or ovarian cancer. Identifiers: MedGen CN221562.
Familial cancer of breast. Also called: hereditary breast carcinoma; Hereditary breast cancer; BREAST CANCER, FAMILIAL. Identifiers: Orphanet 227535, MedGen C0346153, MONDO:0016419, OMIM 114480. Disease mechanism: loss of function.
Hereditary breast ovarian cancer syndrome. Also called: Hereditary breast and ovarian cancer syndrome; Hereditary breast and ovarian cancer syndrome (HBOC); Breast and ovarian cancer; BRCA1- and BRCA2-Associated Hereditary Breast and Ovarian Cancer; Hereditary breast and ovarian cancer; Hereditary breast and/or ovarian cancer syndrome. Identifiers: Orphanet 145, MedGen C0677776, MeSH D061325, MONDO:0003582. Disease mechanism: loss of function.
Breast-ovarian cancer, familial, susceptibility to, 5 (BROVCA5). Identifiers: MedGen C5830615, MONDO:0957530, OMIM 620442.
Malignant tumor of breast. Also called: Malignant breast neoplasm; Cancer breast. Identifiers: MedGen C0006142, MONDO:0007254. Disease mechanism: loss of function.
Hereditary cancer-predisposing syndrome. Also called: Tumor predisposition; Hereditary neoplastic syndrome; Neoplastic Syndromes, Hereditary; Hereditary Cancer Syndrome. Identifiers: Orphanet 140162, MedGen C0027672, MeSH D009386, MONDO:0015356.

Allele frequency attached by ClinVar (database versions not stated): gnomAD exomes 0.00016 and 0.00047; ExAC 0.00061; gnomAD 0.00190 and 0.00202; TOPMed 0.00193; ESP Exome Variant Server 0.00208; 1000 Genomes Project 0.00240; 1000 Genomes Project 30x 0.00250.
gnomAD v4.1: 537 of 1,614,164 alleles (0.033%); highest among the groups gnomAD compares: African/African-American, 0.63%; 3 homozygotes.

Submissions 1 to 18 of 22:

ClinGen Hereditary Breast, Ovarian and Pancreatic Cancer Variant Curation Expert Panel, ClinGen
Classification: Benign for PALB2-related cancer predisposition. Last evaluated: 2023-04-05. Review status: reviewed by expert panel. Criteria: ClinGen HBOP VCEP ACMG Specifications PALB2 V1.0.0. Collection method: curation. Allele origin: germline. Inheritance: Autosomal dominant inheritance.
Comment: The c.721A>G variant in PALB2 is a missense variant predicted to predicted to cause substitution of asparagine by aspartic acid at amino acid 241 (p.Asn241Asp). This variant has been observed in three homozygous individuals with no features of FANCN, a condition with full penetrance at an early age (Ambry Genetics). The highest population minor filtering allele frequency in gnomAD v2.1.1 is 0.005509 in the African population, which is higher than the HBOP VCEP threshold (>0.001) for BA1, and therefore meets this criterion. PALB2, in which the variant was identified, is defined by the HBOP VCEP as a gene for which primarily truncating variants are known to cause disease. In summary, this variant meets the criteria to be classified as benign for autosomal dominant hereditary breast and pancreatic cancer and autosomal recessive FANCN based on the ACMG/AMP criteria applied, as specified by the HBOP VCEP (BA1, BS2, BP1)

Labcorp Genetics (formerly Invitae), Labcorp
Classification: Benign for Familial cancer of breast. Last evaluated: 2026-02-02. Review status: criteria provided, single submitter. Criteria: Invitae Variant Classification Sherloc (09022015). Collection method: clinical testing. Allele origin: germline. Not counted in ClinVar's aggregate classification.

Myriad Genetics, Inc.
Classification: Benign for Familial cancer of breast. Last evaluated: 2025-01-10. Review status: criteria provided, single submitter. Criteria: Myriad Autosomal Dominant, Autosomal Recessive and X-Linked Classification Criteria (2023). Collection method: clinical testing. Allele origin: unknown. Not counted in ClinVar's aggregate classification.
Comment: This variant is considered benign. Homozygosity for this variant has been confirmed in one or more individuals lacking clinical features consistent with gene-specific recessive disease, indicating that this variant is unlikely to be pathogenic. This variant is strongly associated with less severe personal and family histories of cancer, typical for individuals without pathogenic variants in this gene [PMID: 25085752]. This variant has been observed at a population frequency that is significantly greater than expected given the associated disease prevalence and penetrance.

Blueprint Genetics
Classification: Likely benign. Last evaluated: 2024-05-02. Review status: criteria provided, single submitter. Criteria: ACMG Guidelines, 2015. Collection method: clinical testing. Allele origin: germline. Not counted in ClinVar's aggregate classification.

KCCC/NGS Laboratory, Kuwait Cancer Control Center
Classification: Benign for Breast-ovarian cancer, familial, susceptibility to, 5. Last evaluated: 2023-07-07. Review status: criteria provided, single submitter. Criteria: ACMG Guidelines, 2015. Collection method: clinical testing. Allele origin: germline. Affected: yes. Not counted in ClinVar's aggregate classification.

CHEO Genetics Diagnostic Laboratory, Children's Hospital of Eastern Ontario
Classification: Likely benign for Breast and/or ovarian cancer. Last evaluated: 2022-10-28. Review status: criteria provided, single submitter. Criteria: ACMG Guidelines, 2015. Collection method: clinical testing. Allele origin: germline. Not counted in ClinVar's aggregate classification.

Quest Diagnostics Nichols Institute San Juan Capistrano
Classification: Benign. Last evaluated: 2022-07-07. Review status: criteria provided, single submitter. Criteria: Quest Diagnostics criteria. Collection method: clinical testing. Allele origin: unknown. Not counted in ClinVar's aggregate classification.

National Health Laboratory Service, Universitas Academic Hospital and University of the Free State
Classification: Benign for Hereditary breast ovarian cancer syndrome. Last evaluated: 2022-04-19. Review status: criteria provided, single submitter. Criteria: ACMG Guidelines, 2015. Collection method: clinical testing. Allele origin: germline. Affected: yes. Observed: 11 variant alleles. Not counted in ClinVar's aggregate classification.

Color Diagnostics, LLC DBA Color Health
Classification: Benign for Hereditary cancer-predisposing syndrome. Last evaluated: 2022-01-02. Review status: criteria provided, single submitter. Criteria: ACMG Guidelines, 2015. Collection method: clinical testing. Allele origin: germline. Not counted in ClinVar's aggregate classification.

Sema4
Classification: Benign for Hereditary cancer-predisposing syndrome. Last evaluated: 2020-11-16. Review status: criteria provided, single submitter. Criteria: Sema4 Curation Guidelines. Collection method: curation. Allele origin: germline. Not counted in ClinVar's aggregate classification.

Ambry Genetics
Classification: Benign for Hereditary cancer-predisposing syndrome. Last evaluated: 2018-11-08. Review status: criteria provided, single submitter. Criteria: Ambry Variant Classification Scheme 2023. Collection method: clinical testing. Allele origin: germline. Not counted in ClinVar's aggregate classification.

GeneDx
Classification: Likely benign. Last evaluated: 2018-01-19. Review status: criteria provided, single submitter. Criteria: GeneDx Variant Classification (06012015). Collection method: clinical testing. Allele origin: germline. Affected: yes. Not counted in ClinVar's aggregate classification.
Comment: This variant is considered likely benign or benign based on one or more of the following criteria: it is a conservative change, it occurs at a poorly conserved position in the protein, it is predicted to be benign by multiple in silico algorithms, and/or has population frequency not consistent with disease.

Genetic Services Laboratory, University of Chicago
Classification: Likely benign. Last evaluated: 2017-04-02. Review status: criteria provided, single submitter. Criteria: ACMG Guidelines, 2015. Collection method: clinical testing. Allele origin: germline. Affected: no. Not counted in ClinVar's aggregate classification.

Women's Health and Genetics/Laboratory Corporation of America, LabCorp
Classification: Benign. Last evaluated: 2017-03-24. Review status: criteria provided, single submitter. Criteria: LabCorp Variant Classification Summary - May 2015. Collection method: clinical testing. Allele origin: germline. Not counted in ClinVar's aggregate classification.
Comment: Variant summary: The PALB2 c.721A>G (p.Asn241Asp) variant involves the alteration of a non-conserved nucleotide and 5/5 in silico tools predict a benign outcome for this variant, although these predictions have yet to be functionally assessed. This variant was found in 75/121762 control chromosomes, predominantly observed in the African subpopulation at a frequency of 0.006935 (71/10238). This frequency is about 44 times the estimated maximal expected allele frequency of a pathogenic PALB2 variant (0.0001563), suggesting this is likely a benign polymorphism found primarily in the populations of African origin. Multiple publications have cited the variant in affected individuals, predominantly of African decent, although with limited information (ie, lack of co-occurrence and cosegregation data). In addition, multiple clinical diagnostic laboratories classified this variant as likely benign/benign. Taken together, this variant is classified as benign.

PreventionGenetics, part of Exact Sciences
Classification: Likely benign. Last evaluated: 2016-10-03. Review status: criteria provided, single submitter. Criteria: ACMG Guidelines, 2015. Collection method: clinical testing. Allele origin: germline. Not counted in ClinVar's aggregate classification.

Leiden Open Variation Database
Classification: Likely benign. Last evaluated: 2019-05-13. Review status: no assertion criteria provided. Collection method: curation. Allele origin: germline. Affected: no. Not counted in ClinVar's aggregate classification.
Comment: Curators: Marc Tischkowitz, Arleen D. Auerbach. Submitters to LOVD: Marc Tischkowitz, Melissa DeRycke, Yukihide Momozawa.

ITMI
No classification provided. Condition: AllHighlyPenetrant. Last evaluated: 2013-09-19. Review status: no classification provided. Collection method: reference population. Allele origin: germline. Not counted in ClinVar's aggregate classification.
Comment: Please see associated publication for description of ethnicities

Clinical Genetics Laboratory, Department of Pathology, Netherlands Cancer Institute
Classification: Likely benign. Review status: no assertion criteria provided. Collection method: clinical testing. Allele origin: germline. Affected: yes. Study: VKGL Data-share Consensus. Not counted in ClinVar's aggregate classification.